The following is an entry in ClinVar:

ClinVar aggregate classification (germline): Uncertain significance. Review status: criteria provided, single submitter (1 of 4 stars). 2 submissions from 2 submitters: Uncertain significance (1). 1 of the submissions does not count toward it. Last evaluated 2025-09-04.

Conditions:
Stargardt disease (FFM). Also called: Stargardt's disease; Fundus flavimaculatus. Identifiers: Orphanet 827, MedGen C0271093, MONDO:0019353.

Allele frequency attached by ClinVar (database versions not stated): gnomAD exomes below 0.00001; ExAC 0.00001.
gnomAD v4.1: 1 of 1,614,248 alleles (0.000062%); highest among the groups gnomAD compares: Admixed American, 0.0017%; no homozygotes.

Submissions (2):

Women's Health and Genetics/Laboratory Corporation of America, LabCorp
Classification: Uncertain significance. Last evaluated: 2025-09-04. Review status: criteria provided, single submitter. Criteria: LabCorp Variant Classification Summary - May 2015. Collection method: clinical testing. Allele origin: germline.
Comment: Variant summary: ABCA4 c.4313C>A (p.Pro1438Gln) results in a non-conservative amino acid change in the encoded protein sequence. Algorithms developed to predict the effect of missense changes on protein structure and function all suggest that this variant is likely to be disruptive. The variant allele was found at a frequency of 4e-06 in 251484 control chromosomes. c.4313C>A has been observed in an individual affected with Stargardt Disease (Chacon-Camacho_2024). To our knowledge, no experimental evidence demonstrating an impact on protein function has been reported. However, a different variant affecting the same codon has been classified as pathogenic (c.4313C>G, p.Pro1438Arg), supporting the critical relevance of codon 1438 to ABCA4 protein function. The following publication has been ascertained in the context of this evaluation (PMID: 39162841).ClinVar contains an entry for this variant (Variation ID: 1804175). Based on the evidence outlined above, the variant was classified as VUS-possibly pathogenic.

Ophthalmo-Genetics Lab, Instituto de Oftalmologia Conde de Valenciana
Classification: Likely pathogenic for Stargardt disease. Last evaluated: 2022-12-19. Review status: no assertion criteria provided. Collection method: research. Allele origin: biparental. Inheritance: Autosomal recessive inheritance. Affected: yes. Observed: 1 compound heterozygote. Not counted in ClinVar's aggregate classification.
Comment: PP3,PM5,PM2,PM1,PP2,PM3, PP4

Literature cited by the submitters: PubMed 39162841 (cited by Women's Health and Genetics/Laboratory Corporation of America, LabCorp); PubMed 30578500 (cited by Ophthalmo-Genetics Lab, Instituto de Oftalmologia Conde de Valenciana).

NM_000350.3(ABCA4):c.4313C>A (p.Pro1438Gln)

Gene: ABCA4 (ATP binding cassette subfamily A member 4; minus strand). Cytogenetic location: 1p22.1.
Variant type: single nucleotide variant.
Coding change: c.4313C>A on transcript NM_000350.3 (MANE Select); coding-DNA position 4313, C replaced by A.
Protein change: p.Pro1438Gln; replaces proline 1438 with glutamine.
Molecular consequence: missense variant.
Genome position (GRCh38, 1-based): chr1:94,030,467, G>T on the plus strand (C>A on the coding strand, the complement: ABCA4 is on the minus strand). VCF-style: chr1-94030467-G-T. GRCh37 (hg19) VCF-style: chr1-94496023-G-T.
Other names: c.4091C>A, p.Pro1364Gln (NM_001425324.1); short protein forms P1438Q, P1364Q.
Identifiers: ClinVar variation 1804175 (VCV001804175.2), dbSNP rs774582644, ClinGen allele CA957655.